The following is an entry in ClinVar:

NM_001375524.1(TRRAP):c.3028C>G (p.Gln1010Glu)

Gene: TRRAP (transformation/transcription domain associated protein; plus strand). Cytogenetic location: 7q22.1.
Variant type: single nucleotide variant.
Coding change: c.3028C>G on transcript NM_001375524.1 (MANE Select); coding-DNA position 3028, C replaced by G.
Protein change: p.Gln1010Glu; replaces glutamine 1010 with glutamic acid.
Molecular consequence: missense variant.
Genome position (GRCh38, 1-based): chr7:98,927,219, C>G. VCF-style: chr7-98927219-C-G. GRCh37 (hg19) VCF-style: chr7-98524842-C-G.
Other names: c.3028C>G, p.Gln1010Glu (NM_001244580.2, NM_003496.4); short protein forms Q1010E.
Identifiers: ClinVar variation 2234396 (VCV002234396.4), dbSNP rs373713174, ClinGen allele CA4359915.

ClinVar aggregate classification (germline): Uncertain significance. Review status: criteria provided, multiple submitters, no conflicts (2 of 4 stars). 2 submissions from 2 submitters: Uncertain significance (2). Last evaluated 2024-06-15.

Conditions:
Inborn genetic diseases. Identifiers: MedGen C0950123, MeSH D030342.

Allele frequency attached by ClinVar (database versions not stated): gnomAD exomes below 0.00001; ExAC 0.00002; TOPMed 0.00002; gnomAD 0.00003; ESP Exome Variant Server 0.00008; 1000 Genomes Project 30x 0.00016; 1000 Genomes Project 0.00020.
gnomAD v4.1: 8 of 1,614,200 alleles (0.0005%); highest among the groups gnomAD compares: African/African-American, 0.011%; no homozygotes.

Submissions (2):

Labcorp Genetics (formerly Invitae), Labcorp
Classification: Uncertain significance. Last evaluated: 2024-06-15. Review status: criteria provided, single submitter. Criteria: Invitae Variant Classification Sherloc (09022015). Collection method: clinical testing. Allele origin: germline.
Comment: This sequence change replaces glutamine, which is neutral and polar, with glutamic acid, which is acidic and polar, at codon 1010 of the TRRAP protein (p.Gln1010Glu). This variant is present in population databases (rs373713174, gnomAD 0.02%). This variant has not been reported in the literature in individuals affected with TRRAP-related conditions. ClinVar contains an entry for this variant (Variation ID: 2234396). Advanced modeling of protein sequence and biophysical properties (such as structural, functional, and spatial information, amino acid conservation, physicochemical variation, residue mobility, and thermodynamic stability) performed at Invitae indicates that this missense variant is not expected to disrupt TRRAP protein function with a negative predictive value of 80%. In summary, the available evidence is currently insufficient to determine the role of this variant in disease. Therefore, it has been classified as a Variant of Uncertain Significance.

Ambry Genetics
Classification: Uncertain significance for Inborn genetic diseases. Last evaluated: 2021-06-22. Review status: criteria provided, single submitter. Criteria: Ambry Variant Classification Scheme 2023. Collection method: clinical testing. Allele origin: germline.